The following is an entry in ClinVar:

ClinVar aggregate classification (germline): Uncertain significance. Review status: criteria provided, multiple submitters, no conflicts (2 of 4 stars). 5 submissions from 5 submitters: Uncertain significance (5). Last evaluated 2025-09-21.

Conditions:
Aortic aneurysm, familial thoracic 4 (AAT4). Also called: AORTIC ANEURYSM/AORTIC DISSECTION AND PATENT DUCTUS ARTERIOSUS. Identifiers: MedGen C1851504, MONDO:0007568, OMIM 132900.
Visceral myopathy 2. Identifiers: MedGen C5543466, MONDO:0859157, OMIM 619350.
Megacystis-microcolon-intestinal hypoperistalsis syndrome 2. Identifiers: MedGen C5543476, MONDO:0025708, OMIM 619351.
Familial thoracic aortic aneurysm and aortic dissection (TAAD). Also called: Thoracic aortic aneurysms and dissections. Identifiers: Orphanet 91387, MedGen C4707243, MONDO:0019625.

Allele frequency attached by ClinVar (database versions not stated): gnomAD 0.00001; gnomAD exomes 0.00001; TOPMed 0.00002; ESP Exome Variant Server 0.00008.
gnomAD v4.1: 10 of 1,596,380 alleles (0.00063%); highest among the groups gnomAD compares: East Asian, 0.0045%; no homozygotes.

Submissions (5):

Ambry Genetics
Classification: Uncertain significance for Familial thoracic aortic aneurysm and aortic dissection. Last evaluated: 2025-09-21. Review status: criteria provided, single submitter. Criteria: Ambry Variant Classification Scheme 2023. Collection method: clinical testing. Allele origin: germline.
Comment: The p.R1737Q variant (also known as c.5210G>A), located in coding exon 36 of the MYH11 gene, results from a G to A substitution at nucleotide position 5210. The arginine at codon 1737 is replaced by glutamine, an amino acid with highly similar properties. This amino acid position is conserved. In addition, the in silico prediction for this alteration is inconclusive. Since supporting evidence is limited at this time, the clinical significance of this alteration remains unclear.

Color Diagnostics, LLC DBA Color Health
Classification: Uncertain significance for Familial thoracic aortic aneurysm and aortic dissection. Last evaluated: 2025-06-17. Review status: criteria provided, single submitter. Criteria: ACMG Guidelines, 2015. Collection method: clinical testing. Allele origin: germline.
Comment: This missense variant replaces arginine with glutamine at codon 1744 of the MYH11 protein. Computational prediction suggests that this variant may not impact protein structure and function. To our knowledge, functional studies have not been reported for this variant. This variant has not been reported in individuals affected with MYH11-related disorders in the literature. This variant has been identified in 2/225748 chromosomes in the general population by the Genome Aggregation Database (gnomAD). The available evidence is insufficient to determine the role of this variant in disease conclusively. Therefore, this variant is classified as a Variant of Uncertain Significance.

Labcorp Genetics (formerly Invitae), Labcorp
Classification: Uncertain significance for Aortic aneurysm, familial thoracic 4. Last evaluated: 2023-09-08. Review status: criteria provided, single submitter. Criteria: Invitae Variant Classification Sherloc (09022015). Collection method: clinical testing. Allele origin: germline.
Comment: This sequence change replaces arginine, which is basic and polar, with glutamine, which is neutral and polar, at codon 1744 of the MYH11 protein (p.Arg1744Gln). The frequency data for this variant in the population databases is considered unreliable, as metrics indicate poor data quality at this position in the gnomAD database. This variant has not been reported in the literature in individuals affected with MYH11-related conditions. ClinVar contains an entry for this variant (Variation ID: 581863). Advanced modeling of protein sequence and biophysical properties (such as structural, functional, and spatial information, amino acid conservation, physicochemical variation, residue mobility, and thermodynamic stability) performed at Invitae indicates that this missense variant is not expected to disrupt MYH11 protein function. In summary, the available evidence is currently insufficient to determine the role of this variant in disease. Therefore, it has been classified as a Variant of Uncertain Significance.

Fulgent Genetics
Classification: Uncertain significance for Aortic aneurysm, familial thoracic 4; Visceral myopathy 2; Megacystis-microcolon-intestinal hypoperistalsis syndrome 2. Last evaluated: 2021-11-16. Review status: criteria provided, single submitter. Criteria: ACMG Guidelines, 2015. Collection method: clinical testing. Allele origin: unknown.

CHEO Genetics Diagnostic Laboratory, Children's Hospital of Eastern Ontario
Classification: Uncertain significance for Familial thoracic aortic aneurysm and aortic dissection. Last evaluated: 2020-03-18. Review status: criteria provided, single submitter. Criteria: ACMG Guidelines, 2015. Collection method: clinical testing. Allele origin: germline.

NM_002474.3(MYH11):c.5210G>A (p.Arg1737Gln)

Genes: MYH11 (myosin heavy chain 11; minus strand), NDE1 (nudE neurodevelopment protein 1; plus strand). Cytogenetic location: 16p13.11.
Variant type: single nucleotide variant.
Coding change: c.5210G>A on transcript NM_002474.3 (MANE Select); coding-DNA position 5210, G replaced by A.
Protein change: p.Arg1737Gln; replaces arginine 1737 with glutamine.
Molecular consequence: missense variant. On other transcripts: intron variant (2).
Genome position (GRCh38, 1-based): chr16:15,718,400, C>T on the plus strand (G>A on the coding strand, the complement: MYH11 is on the minus strand). VCF-style: chr16-15718400-C-T. GRCh37 (hg19) VCF-style: chr16-15812257-C-T.
Other names: c.5210G>A (NM_002474.2); c.5231G>A, p.Arg1744Gln (NM_001040113.2, NM_001040114.2); c.5210G>A, p.Arg1737Gln (NM_022844.3); c.948-5791C>T (NM_001143979.2, NM_017668.3); short protein forms R1744Q, R1737Q.
Identifiers: ClinVar variation 581863 (VCV000581863.14), dbSNP rs148433586, ClinGen allele CA278596136.
Genomic context (GRCh38, chr16:15,718,400, plus strand): 5'-TCGCTCATGGCCTCCATGTTGCCCTGCTCCTCCTCCAGCTCCTCCTCCAGCTGGGCGATC[C>T]GGGCCTCCAGGCGGCGCTTCTCGTCCTGGAGTGCGTTCCTGGGGGAAGGGCGGCCATGGT-3'
Protein context (NP_002465.1, residues 1727-1747): LQDEKRRLEA[Arg1737Gln]IAQLEEELEE